The following is an entry in ClinVar:

ClinVar aggregate classification (germline): Uncertain significance (1 of 4 stars; one submission).

Conditions:
Long QT syndrome (LQTS). Identifiers: MedGen C0023976, MeSH D008133, MONDO:0002442. Disease mechanism: loss of function. Inheritance: Various modes of inheritance.

Submission:

Labcorp Genetics (formerly Invitae), Labcorp
Classification: Uncertain significance for Long QT syndrome. Last evaluated: 2025-01-19. Review status: criteria provided, single submitter. Criteria: Invitae Variant Classification Sherloc (09022015). Collection method: clinical testing. Allele origin: germline.
Comment: This sequence change replaces valine, which is neutral and non-polar, with alanine, which is neutral and non-polar, at codon 295 of the KCNH2 protein (p.Val295Ala). This variant is not present in population databases (gnomAD no frequency). This variant has not been reported in the literature in individuals affected with KCNH2-related conditions. An algorithm developed to predict the effect of missense changes on protein structure and function outputs the following: PolyPhen-2: "Benign". The alanine amino acid residue is found in multiple mammalian species, which suggests that this missense change does not adversely affect protein function. In summary, the available evidence is currently insufficient to determine the role of this variant in disease. Therefore, it has been classified as a Variant of Uncertain Significance.

NM_000238.4(KCNH2):c.884T>C (p.Val295Ala)

Gene: KCNH2 (potassium voltage-gated channel subfamily H member 2; minus strand). Cytogenetic location: 7q36.1.
Variant type: single nucleotide variant.
Coding change: c.884T>C on transcript NM_000238.4 (MANE Select); coding-DNA position 884, T replaced by C.
Protein change: p.Val295Ala; replaces valine 295 with alanine.
Molecular consequence: missense variant. On other transcripts: non-coding transcript variant (1).
Genome position (GRCh38, 1-based): chr7:150,958,091, A>G on the plus strand (T>C on the coding strand, the complement: KCNH2 is on the minus strand). VCF-style: chr7-150958091-A-G. GRCh37 (hg19) VCF-style: chr7-150655179-A-G.
Other names: c.596T>C, p.Val199Ala (NM_001406753.1, NM_001406756.1); c.707T>C, p.Val236Ala (NM_001406755.1); c.584T>C, p.Val195Ala (NM_001406757.1); c.884T>C, p.Val295Ala (NM_172056.3); short protein forms V195A, V236A, V295A, V199A.
Identifiers: ClinVar variation 3714418 (VCV003714418.2).